The following is an entry in ClinVar:

ClinVar aggregate classification (germline): Benign. Review status: criteria provided, multiple submitters, no conflicts (2 of 4 stars). 3 submissions from 3 submitters: Benign (3). Last evaluated 2018-06-29.

Conditions:
Acute infantile liver failure due to synthesis defect of mtDNA-encoded proteins. Also called: Liver failure acute infantile; TRMU Deficiency; LIVER FAILURE, INFANTILE, TRANSIENT. Identifiers: Orphanet 217371, MedGen C3278664, MONDO:0013111, OMIM 613070.

Allele frequency attached by ClinVar (database versions not stated): gnomAD 0.03040 and 0.03272; TOPMed 0.03435; gnomAD exomes 0.00309; 1000 Genomes Project 0.03195; 1000 Genomes Project 30x 0.03451.
gnomAD v4.1: 7,557 of 1,049,788 alleles (0.72%); highest among the groups gnomAD compares: African/African-American, 10%; 382 homozygotes.

Submissions (3):

GeneDx
Classification: Benign. Last evaluated: 2018-06-29. Review status: criteria provided, single submitter. Criteria: GeneDx Variant Classification Process June 2021. Collection method: clinical testing. Allele origin: germline. Affected: yes.

Illumina Laboratory Services, Illumina
Classification: Benign for Acute infantile liver failure due to synthesis defect of mtDNA-encoded proteins. Last evaluated: 2018-01-13. Review status: criteria provided, single submitter. Criteria: ICSL Variant Classification Criteria 13 December 2019. Collection method: clinical testing. Allele origin: germline.
Comment: This variant was observed in the ICSL laboratory as part of a predisposition screen in an ostensibly healthy population. It had not been previously curated by ICSL or reported in the Human Gene Mutation Database (HGMD: prior to June 1st, 2018), and was therefore a candidate for classification through an automated scoring system. Utilizing variant allele frequency, disease prevalence and penetrance estimates, and inheritance mode, an automated score was calculated to assess if this variant is too frequent to cause the disease. Based on the score and internal cut-off values, a variant classified as benign is not then subjected to further curation. The score for this variant resulted in a classification of benign for this disease.

Breakthrough Genomics
Classification: Benign. Review status: criteria provided, single submitter. Criteria: ACMG Guidelines, 2015. Collection method: not provided. Allele origin: germline. Inheritance: Unknown mechanism. Affected: yes.

NM_018006.5(TRMU):c.*151C>T

Gene: TRMU (tRNA mitochondrial 2-thiouridylase; plus strand). Cytogenetic location: 22q13.31.
Variant type: single nucleotide variant.
Coding change: c.*151C>T on transcript NM_018006.5 (MANE Select); 151 bases downstream of the stop codon, C replaced by T.
Molecular consequence: 3 prime UTR variant. On other transcripts: non-coding transcript variant (2).
Genome position (GRCh38, 1-based): chr22:46,357,157, C>T. VCF-style: chr22-46357157-C-T. GRCh37 (hg19) VCF-style: chr22-46753054-C-T.
Other names: c.*151C>T (NM_001282782.2, NM_001282783.2); c.*203C>T (NM_001282784.2, NM_001282785.2).
Identifiers: ClinVar variation 342025 (VCV000342025.7), dbSNP rs116347546, ClinGen allele CA10653638.